The following is an entry in ClinVar:

NM_000094.4(COL7A1):c.8123T>C (p.Ile2708Thr)

Gene: COL7A1 (collagen type VII alpha 1 chain; minus strand). Cytogenetic location: 3p21.31.
Variant type: single nucleotide variant.
Coding change: c.8123T>C on transcript NM_000094.4 (MANE Select); coding-DNA position 8123, T replaced by C.
Protein change: p.Ile2708Thr; replaces isoleucine 2708 with threonine.
Molecular consequence: missense variant.
Genome position (GRCh38, 1-based): chr3:48,567,010, A>G on the plus strand (T>C on the coding strand, the complement: COL7A1 is on the minus strand). VCF-style: chr3-48567010-A-G. GRCh37 (hg19) VCF-style: chr3-48604443-A-G.
Other names: short protein forms I2708T.
Identifiers: ClinVar variation 2143080 (VCV002143080.5), dbSNP rs372750088, ClinGen allele CA2378142.

ClinVar aggregate classification (germline): Conflicting classifications of pathogenicity. Review status: criteria provided, conflicting classifications (1 of 4 stars). 2 submissions from 2 submitters: Uncertain significance (1); Likely benign (1). Last evaluated 2025-04-14.

Conditions:
COL7A1-related disorder. Also called: COL7A1- related disorders; COL7A1-related condition.

Allele frequency attached by ClinVar (database versions not stated): gnomAD 0.00002; TOPMed 0.00003; ESP Exome Variant Server 0.00008.
gnomAD v4.1: 26 of 1,612,726 alleles (0.0016%); highest among the groups gnomAD compares: African/African-American, 0.004%; no homozygotes.

Submissions (2):

Labcorp Genetics (formerly Invitae), Labcorp
Classification: Likely benign. Last evaluated: 2025-04-14. Review status: criteria provided, single submitter. Criteria: Invitae Variant Classification Sherloc (09022015). Collection method: clinical testing. Allele origin: germline.

PreventionGenetics, part of Exact Sciences
Classification: Uncertain significance for COL7A1-related condition. Last evaluated: 2025-01-29. Review status: criteria provided, single submitter. Criteria: ACMG Guidelines, 2015. Collection method: clinical testing. Allele origin: germline.
Comment: The COL7A1 c.8123T>C variant is predicted to result in the amino acid substitution p.Ile2708Thr. To our knowledge, this variant has not been reported in the literature. This variant is reported in 0.0050% of alleles in individuals of East Asian descent in gnomAD. At this time, the clinical significance of this variant is uncertain due to the absence of conclusive functional and genetic evidence.